The following is an entry in ClinVar:

ClinVar aggregate classification (germline): Uncertain significance (1 of 4 stars; one submission).

Allele frequency attached by ClinVar (database versions not stated): gnomAD 0.00001; TOPMed 0.00002; ExAC 0.00005.
gnomAD v4.1: 41 of 1,612,500 alleles (0.0025%); highest among the groups gnomAD compares: South Asian, 0.027%; 1 homozygote.

Submission:

Labcorp Genetics (formerly Invitae), Labcorp
Classification: Uncertain significance. Last evaluated: 2022-05-04. Review status: criteria provided, single submitter. Criteria: Invitae Variant Classification Sherloc (09022015). Collection method: clinical testing. Allele origin: germline.
Comment: In summary, the available evidence is currently insufficient to determine the role of this variant in disease. Therefore, it has been classified as a Variant of Uncertain Significance. Algorithms developed to predict the effect of missense changes on protein structure and function are either unavailable or do not agree on the potential impact of this missense change (SIFT: "Deleterious"; PolyPhen-2: "Probably Damaging"; Align-GVGD: "Class C0"). This variant has not been reported in the literature in individuals affected with ARHGEF1-related conditions. This variant is present in population databases (rs781882065, gnomAD 0.04%). This sequence change replaces arginine, which is basic and polar, with tryptophan, which is neutral and slightly polar, at codon 325 of the ARHGEF1 protein (p.Arg325Trp).

NM_004706.4(ARHGEF1):c.928C>T (p.Arg310Trp)

Gene: ARHGEF1 (Rho guanine nucleotide exchange factor 1; plus strand). Cytogenetic location: 19q13.2.
Variant type: single nucleotide variant.
Coding change: c.928C>T on transcript NM_004706.4 (MANE Select); coding-DNA position 928, C replaced by T.
Protein change: p.Arg310Trp; replaces arginine 310 with tryptophan.
Molecular consequence: missense variant. On other transcripts: non-coding transcript variant (2).
Genome position (GRCh38, 1-based): chr19:41,895,399, C>T. VCF-style: chr19-41895399-C-T. GRCh37 (hg19) VCF-style: chr19-42399472-C-T.
Other names: c.928C>T, p.Arg310Trp (NM_001396000.1, NM_001396003.1, NM_001396006.1); c.829C>T, p.Arg277Trp (NM_001396002.1, NM_001396004.1, NM_198977.2); c.973C>T, p.Arg325Trp (NM_199002.2); short protein forms R277W, R310W, R325W.
Identifiers: ClinVar variation 2163147 (VCV002163147.4), dbSNP rs781882065, ClinGen allele CA9466119.